The following is an entry in ClinVar:

NM_001194998.2(CEP152):c.1697A>G (p.Gln566Arg)

Gene: CEP152 (centrosomal protein 152; minus strand). Cytogenetic location: 15q21.1.
Variant type: single nucleotide variant.
Coding change: c.1697A>G on transcript NM_001194998.2 (MANE Select); coding-DNA position 1697, A replaced by G.
Protein change: p.Gln566Arg; replaces glutamine 566 with arginine.
Molecular consequence: missense variant.
Genome position (GRCh38, 1-based): chr15:48,772,572, T>C on the plus strand (A>G on the coding strand, the complement: CEP152 is on the minus strand). VCF-style: chr15-48772572-T-C. GRCh37 (hg19) VCF-style: chr15-49064769-T-C.
Other names: c.1697A>G, p.Gln566Arg (NM_014985.4); short protein forms Q566R.
Identifiers: ClinVar variation 1981054 (VCV001981054.2), dbSNP rs1432101183, ClinGen allele CA392351577.
Genomic context (GRCh38, chr15:48,772,572, plus strand): 5'-TTCTTCACTTGGTGGAGATCTTCAATTTTCTTATGACAGTCTTTGAGGTCATTTTGTAAC[T>C]GAGACACCAGATGACGCTTCATTGAGTTGCTACCCAGCAAACGCTGTACTTCTGCCTTTA-3'
Protein context (NP_001181927.1, residues 556-576): SNSMKRHLVS[Gln566Arg]LQNDLKDCHK

ClinVar aggregate classification (germline): Uncertain significance. Review status: criteria provided, multiple submitters, no conflicts (2 of 4 stars). 2 submissions from 2 submitters: Uncertain significance (2). Last evaluated 2022-08-09.

Conditions:
Inborn genetic diseases. Identifiers: MedGen C0950123, MeSH D030342.

Allele frequency attached by ClinVar (database versions not stated): gnomAD exomes 0.00001.
gnomAD v4.1: 11 of 1,614,136 alleles (0.00068%); highest among the groups gnomAD compares: Admixed American, 0.0033%; no homozygotes.

Submissions (2):

Labcorp Genetics (formerly Invitae), Labcorp
Classification: Uncertain significance. Last evaluated: 2022-08-09. Review status: criteria provided, single submitter. Criteria: Invitae Variant Classification Sherloc (09022015). Collection method: clinical testing. Allele origin: germline.
Comment: This sequence change replaces glutamine, which is neutral and polar, with arginine, which is basic and polar, at codon 566 of the CEP152 protein (p.Gln566Arg). This variant is present in population databases (no rsID available, gnomAD 0.003%). This variant has not been reported in the literature in individuals affected with CEP152-related conditions. Algorithms developed to predict the effect of missense changes on protein structure and function are either unavailable or do not agree on the potential impact of this missense change (SIFT: "Tolerated"; PolyPhen-2: "Possibly Damaging"; Align-GVGD: "Class C0"). In summary, the available evidence is currently insufficient to determine the role of this variant in disease. Therefore, it has been classified as a Variant of Uncertain Significance.

Ambry Genetics
Classification: Uncertain significance for Inborn genetic diseases. Last evaluated: 2022-05-11. Review status: criteria provided, single submitter. Criteria: Ambry Variant Classification Scheme 2023. Collection method: clinical testing. Allele origin: germline.